The following is an entry in ClinVar:

ClinVar aggregate classification (germline): Uncertain significance. Review status: criteria provided, multiple submitters, no conflicts (2 of 4 stars). 2 submissions from 2 submitters: Uncertain significance (2). Last evaluated 2025-12-24.

Conditions:
Inborn genetic diseases. Identifiers: MedGen C0950123, MeSH D030342.

Allele frequency attached by ClinVar (database versions not stated): ExAC 0.00002; gnomAD 0.00003; gnomAD exomes 0.00004; TOPMed 0.00012.
gnomAD v4.1: 25 of 1,614,104 alleles (0.0015%); highest among the groups gnomAD compares: Admixed American, 0.042%; no homozygotes.

Submissions (2):

Labcorp Genetics (formerly Invitae), Labcorp
Classification: Uncertain significance. Last evaluated: 2025-12-24. Review status: criteria provided, single submitter. Criteria: Invitae Variant Classification Sherloc (09022015). Collection method: clinical testing. Allele origin: germline.
Comment: This sequence change replaces alanine, which is neutral and non-polar, with serine, which is neutral and polar, at codon 1609 of the POLR1A protein (p.Ala1609Ser). This variant is present in population databases (rs752114103, gnomAD 0.06%). This variant has not been reported in the literature in individuals affected with POLR1A-related conditions. ClinVar contains an entry for this variant (Variation ID: 2178441). Invitae Evidence Modeling of protein sequence and biophysical properties (such as structural, functional, and spatial information, amino acid conservation, physicochemical variation, residue mobility, and thermodynamic stability) has been performed for this missense variant. However, the output from this modeling did not meet the statistical confidence thresholds required to predict the impact of this variant on POLR1A protein function. In summary, the available evidence is currently insufficient to determine the role of this variant in disease. Therefore, it has been classified as a Variant of Uncertain Significance.

Ambry Genetics
Classification: Uncertain significance for Inborn genetic diseases. Last evaluated: 2021-10-29. Review status: criteria provided, single submitter. Criteria: Ambry Variant Classification Scheme 2023. Collection method: clinical testing. Allele origin: germline.

NM_015425.6(POLR1A):c.4825G>T (p.Ala1609Ser)

Gene: POLR1A (RNA polymerase I subunit A; minus strand). Cytogenetic location: 2p11.2.
Variant type: single nucleotide variant.
Coding change: c.4825G>T on transcript NM_015425.6 (MANE Select); coding-DNA position 4825, G replaced by T.
Protein change: p.Ala1609Ser; replaces alanine 1609 with serine.
Molecular consequence: missense variant.
Genome position (GRCh38, 1-based): chr2:86,028,666, C>A on the plus strand (G>T on the coding strand, the complement: POLR1A is on the minus strand). VCF-style: chr2-86028666-C-A. GRCh37 (hg19) VCF-style: chr2-86255789-C-A.
Other names: c.4825G>T (NM_015425.3); short protein forms A1609S.
Identifiers: ClinVar variation 2178441 (VCV002178441.5), dbSNP rs752114103, ClinGen allele CA1745371.
Genomic context (GRCh38, chr2:86,028,666, plus strand): 5'-ACACATCCTTGATCTCCTTCTCGATCACCCGCAGCGCGGCCTCAATGCCATACGTGTTGG[C>A]TATGGCGTGGATGTCGTTGGAGTAGAGGCGGCGCAGATCCAGGACCTGGAGAGAGGAAGG-3'
Protein context (NP_056240.2, residues 1599-1619): RLYSNDIHAI[Ala1609Ser]NTYGIEAALR